The following is an entry in ClinVar:

NM_001927.4(DES):c.49A>T (p.Thr17Ser)

Gene: DES (desmin; plus strand). Cytogenetic location: 2q35.
Variant type: single nucleotide variant.
Coding change: c.49A>T on transcript NM_001927.4 (MANE Select); coding-DNA position 49, A replaced by T.
Protein change: p.Thr17Ser; replaces threonine 17 with serine.
Molecular consequence: missense variant.
Genome position (GRCh38, 1-based): chr2:219,418,511, A>T. VCF-style: chr2-219418511-A-T. GRCh37 (hg19) VCF-style: chr2-220283233-A-T.
Other names: c.49A>T, p.Thr17Ser (NM_001382708.1, NM_001382709.1, NM_001382710.1 and 3 more transcripts); short protein forms T17S.
Identifiers: ClinVar variation 1464473 (VCV001464473.8), dbSNP rs1342928312, ClinGen allele CA350682380.

ClinVar aggregate classification (germline): Uncertain significance (1 of 4 stars; one submission).

Conditions:
Desmin-related myofibrillar myopathy (MFM1). Also called: Desminopathy; MYOFIBRILLAR MYOPATHY WITH ARRHYTHMOGENIC RIGHT VENTRICULAR CARDIOMYOPATHY; DESMIN-RELATED MYOPATHY WITH ARRHYTHMOGENIC RIGHT VENTRICULAR CARDIOMYOPATHY; Desmin related myopathy (former name); Desmin storage myopathy (former name); Myofibrillar myopathy 1. Identifiers: Orphanet 363543, Orphanet 98909, MedGen C1832370, MONDO:0011076, OMIM 601419.

Allele frequency attached by ClinVar (database versions not stated): gnomAD exomes below 0.00001; TOPMed below 0.00001; gnomAD 0.00001.
gnomAD v4.1: 6 of 1,603,146 alleles (0.00037%); highest among the groups gnomAD compares: Non-Finnish European, 0.00042%; no homozygotes.

Submission:

Labcorp Genetics (formerly Invitae), Labcorp
Classification: Uncertain significance for Desmin-related myofibrillar myopathy. Last evaluated: 2025-05-19. Review status: criteria provided, single submitter. Criteria: Invitae Variant Classification Sherloc (09022015). Collection method: clinical testing. Allele origin: germline.
Comment: This sequence change replaces threonine, which is neutral and polar, with serine, which is neutral and polar, at codon 17 of the DES protein (p.Thr17Ser). This variant is present in population databases (no rsID available, gnomAD 0.001%). This variant has not been reported in the literature in individuals affected with DES-related conditions. ClinVar contains an entry for this variant (Variation ID: 1464473). Invitae Evidence Modeling of protein sequence and biophysical properties (such as structural, functional, and spatial information, amino acid conservation, physicochemical variation, residue mobility, and thermodynamic stability) has been performed for this missense variant. However, the output from this modeling did not meet the statistical confidence thresholds required to predict the impact of this variant on DES protein function. In summary, the available evidence is currently insufficient to determine the role of this variant in disease. Therefore, it has been classified as a Variant of Uncertain Significance.